The following is an entry in ClinVar:

NM_138775.3(ALKBH8):c.1712G>A (p.Arg571Lys)

Gene: ALKBH8 (alkB homolog 8, tRNA methyltransferase; minus strand). Cytogenetic location: 11q22.3.
Variant type: single nucleotide variant.
Coding change: c.1712G>A on transcript NM_138775.3 (MANE Select); coding-DNA position 1712, G replaced by A.
Protein change: p.Arg571Lys; replaces arginine 571 with lysine.
Molecular consequence: missense variant. On other transcripts: non-coding transcript variant (6).
Genome position (GRCh38, 1-based): chr11:107,504,941, C>T on the plus strand (G>A on the coding strand, the complement: ALKBH8 is on the minus strand). VCF-style: chr11-107504941-C-T. GRCh37 (hg19) VCF-style: chr11-107375667-C-T.
Other names: c.1712G>A, p.Arg571Lys (NM_001301010.3); c.1562G>A, p.Arg521Lys (NM_001378133.1); short protein forms R521K, R571K.
Identifiers: ClinVar variation 3044489 (VCV003044489.2), dbSNP rs61748874, ClinGen allele CA6261001.
Genomic context (GRCh38, chr11:107,504,941, plus strand): 5'-TCTTGAGAATAAAAAGAAGTCCTGTTAACATGAACAGGCAGCTTGGAATTAGAAACTTGC[C>T]TTGAATTACATCCTCCTTCCTGAGAGTCATTAATGCGGGGGACAGAAGATGCCGAGTCTC-3'
Protein context (NP_620130.2, residues 561-581): NDSQEGGCNS[Arg571Lys]QVSNSKLPVH

ClinVar aggregate classification (germline): Benign (0 of 4 stars; one submission).

Conditions:
ALKBH8-related disorder. Also called: ALKBH8-related condition.

Allele frequency attached by ClinVar (database versions not stated): gnomAD exomes 0.00054; ExAC 0.00169; gnomAD 0.00525; ESP Exome Variant Server 0.00548; TOPMed 0.00603; 1000 Genomes Project 0.00679; 1000 Genomes Project 30x 0.00687.
gnomAD v4.1: 1,586 of 1,551,850 alleles (0.1%); highest among the groups gnomAD compares: African/African-American, 1.9%; 13 homozygotes.

Submission:

PreventionGenetics, part of Exact Sciences
Classification: Benign for ALKBH8-related condition. Last evaluated: 2020-01-02. Review status: no assertion criteria provided. Collection method: clinical testing. Allele origin: germline.
Comment: This variant is classified as benign based on ACMG/AMP sequence variant interpretation guidelines (Richards et al. 2015 PMID: 25741868, with internal and published modifications).